The following is an entry in ClinVar:

NM_001035.3(RYR2):c.13046G>A (p.Gly4349Glu)

Genes: RYR2 (ryanodine receptor 2; plus strand), LOC126806068 (BRD4-independent group 4 enhancer GRCh37_chr1:237947411-237948610; plus strand). Cytogenetic location: 1q43.
Variant type: single nucleotide variant.
Coding change: c.13046G>A on transcript NM_001035.3 (MANE Select); coding-DNA position 13046, G replaced by A.
Protein change: p.Gly4349Glu; replaces glycine 4349 with glutamic acid.
Molecular consequence: missense variant.
Genome position (GRCh38, 1-based): chr1:237,784,758, G>A. VCF-style: chr1-237784758-G-A. GRCh37 (hg19) VCF-style: chr1-237948058-G-A.
Other names: short protein forms G4349E.
Identifiers: ClinVar variation 925498 (VCV000925498.6), dbSNP rs1695410973, ClinGen allele CA345415105.

ClinVar aggregate classification (germline): Uncertain significance. Review status: criteria provided, multiple submitters, no conflicts (2 of 4 stars). 2 submissions from 2 submitters: Uncertain significance (2). Last evaluated 2023-12-05.

Conditions:
Cardiomyopathy (CMYO). Also called: Cardiomyopathies. Identifiers: Orphanet 167848, MedGen C0878544, MONDO:0004994, HP:0001638. Inheritance: Various modes of inheritance.
Catecholaminergic polymorphic ventricular tachycardia (CVPT). Also called: Catecholamine-induced polymorphic ventricular tachycardia. Identifiers: Orphanet 3286, MedGen C5574922, MONDO:0017990.

Allele frequency attached by ClinVar (database versions not stated): gnomAD exomes below 0.00001.
gnomAD v4.1: 4 of 1,602,494 alleles (0.00025%); highest among the groups gnomAD compares: Non-Finnish European, 0.00034%; no homozygotes.

Submissions (2):

Color Diagnostics, LLC DBA Color Health
Classification: Uncertain significance for Cardiomyopathy. Last evaluated: 2023-12-05. Review status: criteria provided, single submitter. Criteria: ACMG Guidelines, 2015. Collection method: clinical testing. Allele origin: germline.
Comment: This missense variant replaces glycine with glutamic acid at codon 4349 of the RYR2 protein. Computational prediction tools and conservation analyses are inconclusive regarding the impact of this variant on the protein function. Computational splicing tools suggest that this variant may not impact RNA splicing. To our knowledge, functional assays have not been performed for this variant nor has this variant been reported in individuals affected with cardiovascular disorders in the literature. This variant has not been identified in the general population by the Genome Aggregation Database (gnomAD). Available evidence is insufficient to determine the role of this variant in disease conclusively. Therefore, this variant is classified as a Variant of Uncertain Significance.

All of Us Research Program, National Institutes of Health
Classification: Uncertain significance for Catecholaminergic polymorphic ventricular tachycardia. Last evaluated: 2023-05-15. Review status: criteria provided, single submitter. Criteria: ACMG Guidelines, 2015. Collection method: clinical testing. Allele origin: germline. Inheritance: Autosomal dominant inheritance. Observed: 1 variant allele, 1 heterozygote.
Comment: This missense variant replaces glycine with glutamic acid at codon 4349 of the RYR2 protein. Computational prediction tools and conservation analyses are inconclusive regarding the impact of this variant on the protein function. Computational splicing tools suggest that this variant may not impact RNA splicing. To our knowledge, functional assays have not been performed for this variant nor has this variant been reported in individuals affected with cardiovascular disorders in the literature. This variant has not been identified in the general population by the Genome Aggregation Database (gnomAD). Available evidence is insufficient to determine the role of this variant in disease conclusively. Therefore, this variant is classified as a Variant of Uncertain Significance.

This study involves interpretation of variants in research participants for the purpose of population health screening. Participant phenotype was not available at the time of variant classification. Additional details can be found in publication PMID: 35346344, PMCID: PMC8962531